The following is an entry in ClinVar:

NM_000271.5(NPC1):c.2380C>T (p.Arg794Trp)

Gene: NPC1 (NPC intracellular cholesterol transporter 1; minus strand). Cytogenetic location: 18q11.2.
Variant type: single nucleotide variant.
Coding change: c.2380C>T on transcript NM_000271.5 (MANE Select); coding-DNA position 2380, C replaced by T.
Protein change: p.Arg794Trp; replaces arginine 794 with tryptophan.
Molecular consequence: missense variant.
Genome position (GRCh38, 1-based): chr18:23,541,202, G>A on the plus strand (C>T on the coding strand, the complement: NPC1 is on the minus strand). VCF-style: chr18-23541202-G-A. GRCh37 (hg19) VCF-style: chr18-21121166-G-A.
Other names: short protein forms R794W.
Identifiers: ClinVar variation 2159562 (VCV002159562.23), dbSNP rs762138254, ClinGen allele CA8913114.
Genomic context (GRCh38, chr18:23,541,202, plus strand): 5'-CTGAGGCCTGGACGCTTGTTCCATCTTCAGCACCTCTGACACAGCAAAAGATGTCTAGCC[G>A]ATTTTTCTGAGGGGACAGAGGGAAACAAAGGTTATACCCGCTAGCTGCTTCCTCTAGATT-3'
Protein context (NP_000262.2, residues 784-804): GLDIKRQEKN[Arg794Trp]LDIFCCVRGA

ClinVar aggregate classification (germline): Uncertain significance. Review status: criteria provided, multiple submitters, no conflicts (2 of 4 stars). 2 submissions from 2 submitters: Uncertain significance (2). Last evaluated 2024-02-01.

Conditions:
Niemann-Pick disease, type C1. Also called: NEUROVISCERAL STORAGE DISEASE WITH VERTICAL SUPRANUCLEAR OPHTHALMOPLEGIA; NIEMANN-PICK DISEASE WITH CHOLESTEROL ESTERIFICATION BLOCK; NIEMANN-PICK DISEASE WITHOUT SPHINGOMYELINASE DEFICIENCY; NIEMANN-PICK DISEASE, CHRONIC NEURONOPATHIC FORM; NIEMANN-PICK DISEASE, VARIANT TYPE C1. Identifiers: Orphanet 646, MedGen C3179455, MONDO:0009757, OMIM 257220.

Allele frequency attached by ClinVar (database versions not stated): TOPMed 0.00001; ExAC 0.00002.
gnomAD v4.1: 24 of 1,614,192 alleles (0.0015%); highest among the groups gnomAD compares: Middle Eastern, 0.033%; no homozygotes.

Submissions (2):

CeGaT Center for Human Genetics Tuebingen
Classification: Uncertain significance. Last evaluated: 2024-02-01. Review status: criteria provided, single submitter. Criteria: CeGaT Center For Human Genetics Tuebingen Variant Classification Criteria Version 2. Collection method: clinical testing. Allele origin: germline. Affected: yes. Observed: 1 variant allele.
Comment: NPC1: PM2

Labcorp Genetics (formerly Invitae), Labcorp
Classification: Uncertain significance for Niemann-Pick disease, type C1. Last evaluated: 2022-06-27. Review status: criteria provided, single submitter. Criteria: Invitae Variant Classification Sherloc (09022015). Collection method: clinical testing. Allele origin: germline.
Comment: This sequence change replaces arginine, which is basic and polar, with tryptophan, which is neutral and slightly polar, at codon 794 of the NPC1 protein (p.Arg794Trp). This variant is present in population databases (rs762138254, gnomAD 0.004%). This variant has not been reported in the literature in individuals affected with NPC1-related conditions. Advanced modeling of protein sequence and biophysical properties (such as structural, functional, and spatial information, amino acid conservation, physicochemical variation, residue mobility, and thermodynamic stability) performed at Invitae indicates that this missense variant is expected to disrupt NPC1 protein function. In summary, the available evidence is currently insufficient to determine the role of this variant in disease. Therefore, it has been classified as a Variant of Uncertain Significance.